The following is an entry in ClinVar:

NM_018941.4(CLN8):c.411C>G (p.Ile137Met)

Gene: CLN8 (CLN8 transmembrane ER and ERGIC protein; plus strand). Cytogenetic location: 8p23.3.
Variant type: single nucleotide variant.
Coding change: c.411C>G on transcript NM_018941.4 (MANE Select); coding-DNA position 411, C replaced by G.
Protein change: p.Ile137Met; replaces isoleucine 137 with methionine.
Molecular consequence: missense variant.
Genome position (GRCh38, 1-based): chr8:1,771,465, C>G. VCF-style: chr8-1771465-C-G. GRCh37 (hg19) VCF-style: chr8-1719631-C-G.
Other names: short protein forms I137M.
Identifiers: ClinVar variation 842621 (VCV000842621.4), dbSNP rs147224140, ClinGen allele CA4599261.

ClinVar aggregate classification (germline): Uncertain significance. Review status: criteria provided, single submitter (1 of 4 stars). 2 submissions from 2 submitters: Uncertain significance (1). 1 of the submissions does not count toward it. Last evaluated 2022-08-16.

Conditions:
Neuronal ceroid lipofuscinosis. Also called: Neuronal Ceroid Lipofuscinoses. Identifiers: Orphanet 216, Orphanet 79263, MedGen C0027877, MONDO:0016295. Disease mechanism: loss of function.
Neuronal ceroid lipofuscinosis 8 (CLN8). Also called: CLN8-Related Neuronal Ceroid-Lipofuscinosis. Identifiers: Orphanet 168491, Orphanet 228354, Orphanet 79264, MedGen C1838570, MONDO:0010830, OMIM 600143.

Allele frequency attached by ClinVar (database versions not stated): gnomAD 0.00002; TOPMed 0.00003; ExAC 0.00004; ESP Exome Variant Server 0.00008.
gnomAD v4.1: 27 of 1,614,072 alleles (0.0017%); highest among the groups gnomAD compares: Admixed American, 0.012%; no homozygotes.

Submissions (2):

Labcorp Genetics (formerly Invitae), Labcorp
Classification: Uncertain significance for Neuronal ceroid lipofuscinosis. Last evaluated: 2022-08-16. Review status: criteria provided, single submitter. Criteria: Invitae Variant Classification Sherloc (09022015). Collection method: clinical testing. Allele origin: germline.
Comment: This sequence change replaces isoleucine, which is neutral and non-polar, with methionine, which is neutral and non-polar, at codon 137 of the CLN8 protein (p.Ile137Met). This variant is present in population databases (rs147224140, gnomAD 0.01%). This variant has not been reported in the literature in individuals affected with CLN8-related conditions. ClinVar contains an entry for this variant (Variation ID: 842621). Advanced modeling of protein sequence and biophysical properties (such as structural, functional, and spatial information, amino acid conservation, physicochemical variation, residue mobility, and thermodynamic stability) performed at Invitae indicates that this missense variant is not expected to disrupt CLN8 protein function. In summary, the available evidence is currently insufficient to determine the role of this variant in disease. Therefore, it has been classified as a Variant of Uncertain Significance.

Natera, Inc.
Classification: Uncertain significance for Neuronal ceroid lipofuscinosis 8. Last evaluated: 2021-04-06. Review status: no assertion criteria provided. Collection method: clinical testing. Allele origin: germline. Not counted in ClinVar's aggregate classification.